The following is an entry in ClinVar:

NM_001134363.3(RBM20):c.1112G>T (p.Ser371Ile)

Gene: RBM20 (RNA binding motif protein 20; plus strand). Cytogenetic location: 10q25.2.
Variant type: single nucleotide variant.
Coding change: c.1112G>T on transcript NM_001134363.3 (MANE Select); coding-DNA position 1112, G replaced by T.
Protein change: p.Ser371Ile; replaces serine 371 with isoleucine.
Molecular consequence: missense variant.
Genome position (GRCh38, 1-based): chr10:110,781,721, G>T. VCF-style: chr10-110781721-G-T. GRCh37 (hg19) VCF-style: chr10-112541479-G-T.
Other names: short protein forms S371I.
Identifiers: ClinVar variation 1499823 (VCV001499823.6), dbSNP rs2135044522, ClinGen allele CA378385661.

ClinVar aggregate classification (germline): Uncertain significance (1 of 4 stars; one submission).

Conditions:
Dilated cardiomyopathy 1DD (CMD1DD). Identifiers: Orphanet 154, MedGen C2750995, MONDO:0013168, OMIM 613172.

Allele frequency attached by ClinVar (database versions not stated): gnomAD exomes below 0.00001.
gnomAD v4.1: 1 of 1,551,562 alleles (0.000064%); highest among the groups gnomAD compares: South Asian, 0.0012%; no homozygotes.

Submission:

Labcorp Genetics (formerly Invitae), Labcorp
Classification: Uncertain significance for Dilated cardiomyopathy 1DD. Last evaluated: 2024-10-18. Review status: criteria provided, single submitter. Criteria: Invitae Variant Classification Sherloc (09022015). Collection method: clinical testing. Allele origin: germline.
Comment: This sequence change replaces serine, which is neutral and polar, with isoleucine, which is neutral and non-polar, at codon 371 of the RBM20 protein (p.Ser371Ile). This variant is not present in population databases (gnomAD no frequency). This variant has not been reported in the literature in individuals affected with RBM20-related conditions. ClinVar contains an entry for this variant (Variation ID: 1499823). Invitae Evidence Modeling of protein sequence and biophysical properties (such as structural, functional, and spatial information, amino acid conservation, physicochemical variation, residue mobility, and thermodynamic stability) indicates that this missense variant is not expected to disrupt RBM20 protein function with a negative predictive value of 95%. In summary, the available evidence is currently insufficient to determine the role of this variant in disease. Therefore, it has been classified as a Variant of Uncertain Significance.